The following is an entry in ClinVar:

NM_001008212.2(OPTN):c.2T>A (p.Met1Lys)

Genes: OPTN (optineurin; plus strand), LOC108903148 (10p13 OPTN distal Alu-mediated recombination region; plus strand). Cytogenetic location: 10p13.
Variant type: single nucleotide variant.
Coding change: c.2T>A on transcript NM_001008212.2 (MANE Select); coding-DNA position 2, T replaced by A.
Protein change: p.Met1Lys; changes the start codon (methionine 1).
Molecular consequence: missense variant, initiator codon variant.
Genome position (GRCh38, 1-based): chr10:13,109,124, T>A. VCF-style: chr10-13109124-T-A. GRCh37 (hg19) VCF-style: chr10-13151124-T-A.
Other names: c.2T>A, p.Met1Lys (NM_001008211.1, NM_001008213.1, NM_021980.4); short protein forms M1K.
Identifiers: ClinVar variation 2946379 (VCV002946379.3), dbSNP rs946553408, ClinGen allele CA203254115.
Genomic context (GRCh38, chr10:13,109,124, plus strand): 5'-TTGTGGGGCGGGGGACAGCTCTATTTTCAACAGGTGACTTTTCCACAGGAACTTCTGCAA[T>A]GTCCCATCAACCTCTCAGCTGCCTCACTGAAAAGGAGGACAGCCCCAGTGAAAGCACAGG-3'
Protein context (NP_001008213.1, residues 1-11): [Met1Lys]SHQPLSCLTE

ClinVar aggregate classification (germline): Uncertain significance (1 of 4 stars; one submission).

Conditions:
Primary open angle glaucoma (POAG). Also called: OPTN-related open angle glaucoma. Identifiers: MedGen C0339573, MONDO:0100553, OMIM 137760.
Amyotrophic lateral sclerosis type 12 (ALS12). Also called: AMYOTROPHIC LATERAL SCLEROSIS 12 WITH OR WITHOUT FRONTOTEMPORAL DEMENTIA. Identifiers: Orphanet 803, MedGen C3150692, MONDO:0013264, OMIM 613435.
Glaucoma 1, open angle, E. Identifiers: MedGen C1842026, MONDO:0007665.

Allele frequency attached by ClinVar (database versions not stated): gnomAD exomes 0.00001.

Submission:

Labcorp Genetics (formerly Invitae), Labcorp
Classification: Uncertain significance for Primary open angle glaucoma; Glaucoma 1, open angle, E; Amyotrophic lateral sclerosis type 12. Last evaluated: 2025-03-19. Review status: criteria provided, single submitter. Criteria: Invitae Variant Classification Sherloc (09022015). Collection method: clinical testing. Allele origin: germline.
Comment: This sequence change affects the initiator methionine of the OPTN mRNA. The next in-frame methionine is located at codon 44. This variant is not present in population databases (gnomAD no frequency). This variant has not been reported in the literature in individuals affected with OPTN-related conditions. ClinVar contains an entry for this variant (Variation ID: 2946379). Experimental studies and prediction algorithms are not available or were not evaluated, and the functional significance of this variant is currently unknown. In summary, the available evidence is currently insufficient to determine the role of this variant in disease. Therefore, it has been classified as a Variant of Uncertain Significance.